The following is an entry in ClinVar:

NM_000179.3(MSH6):c.1674G>A (p.Val558=)

Gene: MSH6 (mutS homolog 6; plus strand). Cytogenetic location: 2p16.3.
Variant type: single nucleotide variant.
Coding change: c.1674G>A on transcript NM_000179.3 (MANE Select); coding-DNA position 1674, G replaced by A.
Protein change: p.Val558=; no amino-acid change (valine 558 retained).
Molecular consequence: synonymous variant.
Genome position (GRCh38, 1-based): chr2:47,799,657, G>A. VCF-style: chr2-47799657-G-A. GRCh37 (hg19) VCF-style: chr2-48026796-G-A.
Other names: c.1284G>A, p.Val428= (NM_001281492.2); c.768G>A, p.Val256= (NM_001281493.2, NM_001281494.2).
Identifiers: ClinVar variation 219570 (VCV000219570.25), dbSNP rs762442338, ClinGen allele CA067995.

ClinVar aggregate classification (germline): Benign/Likely benign. Review status: criteria provided, multiple submitters, no conflicts (2 of 4 stars). 9 submissions from 9 submitters: Benign (1); Likely benign (7). 1 of the submissions does not count toward it. Last evaluated 2026-01-26.

Conditions:
Hereditary nonpolyposis colorectal neoplasms. Identifiers: MedGen C0009405, MeSH D003123.
MSH6-related disorder. Also called: MSH6-Related disorders; MSH6-related condition.
Hereditary cancer-predisposing syndrome. Also called: Hereditary neoplastic syndrome; Tumor predisposition; Hereditary Cancer Syndrome; Neoplastic Syndromes, Hereditary. Identifiers: Orphanet 140162, MedGen C0027672, MeSH D009386, MONDO:0015356.
Lynch syndrome. Identifiers: Orphanet 144, MedGen C4552100, MONDO:0005835. Disease mechanism: loss of function.
Lynch syndrome 5 (LYNCH5). Also called: Colorectal cancer, hereditary nonpolyposis, type 5; Hereditary non-polyposis colorectal cancer, type 5. Identifiers: Orphanet 144, MedGen C1833477, MONDO:0013710, OMIM 614350. Disease mechanism: loss of function.

Allele frequency attached by ClinVar (database versions not stated): gnomAD exomes 0.00001 and 0.00002; ExAC 0.00002; gnomAD 0.00005 and 0.00006; TOPMed 0.00005.
gnomAD v4.1: 19 of 1,614,048 alleles (0.0012%); highest among the groups gnomAD compares: African/African-American, 0.02%; no homozygotes.

Submissions (9):

Labcorp Genetics (formerly Invitae), Labcorp
Classification: Likely benign for Hereditary nonpolyposis colorectal neoplasms. Last evaluated: 2026-01-26. Review status: criteria provided, single submitter. Criteria: Invitae Variant Classification Sherloc (09022015). Collection method: clinical testing. Allele origin: germline.

Women's Health and Genetics/Laboratory Corporation of America, LabCorp
Classification: Likely benign. Last evaluated: 2025-12-12. Review status: criteria provided, single submitter. Criteria: LabCorp Variant Classification Summary - May 2015. Collection method: clinical testing. Allele origin: germline.

Myriad Genetics, Inc.
Classification: Benign for Lynch syndrome 5. Last evaluated: 2024-12-27. Review status: criteria provided, single submitter. Criteria: Myriad Autosomal Dominant, Autosomal Recessive and X-Linked Classification Criteria (2023). Collection method: clinical testing. Allele origin: unknown.
Comment: This variant is considered benign. This variant is a silent/synonymous amino acid change and it is not expected to impact splicing.

All of Us Research Program, National Institutes of Health
Classification: Likely benign for Lynch syndrome. Last evaluated: 2024-01-03. Review status: criteria provided, single submitter. Criteria: ACMG Guidelines, 2015. Collection method: clinical testing. Allele origin: germline. Inheritance: Autosomal dominant inheritance. Observed: 2 variant alleles, 2 heterozygotes.
Comment: This study involves interpretation of variants in research participants for the purpose of population health screening. Participant phenotype was not available at the time of variant classification. Additional details can be found in publication PMID: 35346344, PMCID: PMC8962531

Sema4
Classification: Likely benign for Hereditary cancer-predisposing syndrome. Last evaluated: 2021-08-10. Review status: criteria provided, single submitter. Criteria: Sema4 Curation Guidelines. Collection method: curation. Allele origin: germline.

GeneDx
Classification: Likely benign. Last evaluated: 2018-10-17. Review status: criteria provided, single submitter. Criteria: GeneDx Variant Classification Process June 2021. Collection method: clinical testing. Allele origin: germline. Affected: yes.

Color Diagnostics, LLC DBA Color Health
Classification: Likely benign for Hereditary cancer-predisposing syndrome. Last evaluated: 2017-10-23. Review status: criteria provided, single submitter. Criteria: ACMG Guidelines, 2015. Collection method: clinical testing. Allele origin: germline.

Ambry Genetics
Classification: Likely benign for Hereditary cancer-predisposing syndrome. Last evaluated: 2016-02-04. Review status: criteria provided, single submitter. Criteria: Ambry Variant Classification Scheme 2023. Collection method: clinical testing. Allele origin: germline.

PreventionGenetics, part of Exact Sciences
Classification: Likely benign for MSH6-related condition. Last evaluated: 2020-10-12. Review status: no assertion criteria provided. Collection method: clinical testing. Allele origin: germline. Not counted in ClinVar's aggregate classification.
Comment: This variant is classified as likely benign based on ACMG/AMP sequence variant interpretation guidelines (Richards et al. 2015 PMID: 25741868, with internal and published modifications).